The following is an entry in ClinVar:

ClinVar aggregate classification (germline): Uncertain significance (1 of 4 stars; one submission).

Conditions:
Osteogenesis imperfecta type I (OI1). Also called: Lobstein disease; Osteogenesis imperfecta type 1; Lobstein's Disease; OI, TYPE I; OSTEOGENESIS IMPERFECTA TARDA; OSTEOGENESIS IMPERFECTA WITH BLUE SCLERAE. Identifiers: Orphanet 216796, Orphanet 666, MedGen C0023931, MONDO:0008146, OMIM 166200. Disease mechanism: loss of function.

Submission:

Labcorp Genetics (formerly Invitae), Labcorp
Classification: Uncertain significance for Osteogenesis imperfecta type I. Last evaluated: 2024-07-03. Review status: criteria provided, single submitter. Criteria: Invitae Variant Classification Sherloc (09022015). Collection method: clinical testing. Allele origin: germline.
Comment: This sequence change replaces proline, which is neutral and non-polar, with leucine, which is neutral and non-polar, at codon 696 of the COL1A1 protein (p.Pro696Leu). This variant is not present in population databases (gnomAD no frequency). This variant has not been reported in the literature in individuals affected with COL1A1-related conditions. ClinVar contains an entry for this variant (Variation ID: 2049726). Advanced modeling of protein sequence and biophysical properties (such as structural, functional, and spatial information, amino acid conservation, physicochemical variation, residue mobility, and thermodynamic stability) has been performed at Invitae for this missense variant, however the output from this modeling did not meet the statistical confidence thresholds required to predict the impact of this variant on COL1A1 protein function. In summary, the available evidence is currently insufficient to determine the role of this variant in disease. Therefore, it has been classified as a Variant of Uncertain Significance.

NM_000088.4(COL1A1):c.2087C>T (p.Pro696Leu)

Gene: COL1A1 (collagen type I alpha 1 chain; minus strand). Cytogenetic location: 17q21.33.
Variant type: single nucleotide variant.
Coding change: c.2087C>T on transcript NM_000088.4 (MANE Select); coding-DNA position 2087, C replaced by T.
Protein change: p.Pro696Leu; replaces proline 696 with leucine.
Molecular consequence: missense variant.
Genome position (GRCh38, 1-based): chr17:50,191,828, G>A on the plus strand (C>T on the coding strand, the complement: COL1A1 is on the minus strand). VCF-style: chr17-50191828-G-A. GRCh37 (hg19) VCF-style: chr17-48269189-G-A.
Other names: short protein forms P696L.
Identifiers: ClinVar variation 2049726 (VCV002049726.4), dbSNP rs2509200417, ClinGen allele CA400211765.